The following is an entry in ClinVar:

NM_018993.4(RIN2):c.1022A>G (p.Asn341Ser)

Gene: RIN2 (Ras and Rab interactor 2; plus strand). Cytogenetic location: 20p11.23.
Variant type: single nucleotide variant.
Coding change: c.1022A>G on transcript NM_018993.4 (MANE Select); coding-DNA position 1022, A replaced by G.
Protein change: p.Asn341Ser; replaces asparagine 341 with serine.
Molecular consequence: missense variant.
Genome position (GRCh38, 1-based): chr20:19,975,047, A>G. VCF-style: chr20-19975047-A-G. GRCh37 (hg19) VCF-style: chr20-19955691-A-G.
Other names: c.1169A>G, p.Asn390Ser (NM_001242581.2); c.404A>G, p.Asn135Ser (NM_001378238.1); short protein forms N135S, N341S, N390S.
Identifiers: ClinVar variation 3358406 (VCV003358406.1).

ClinVar aggregate classification (germline): Uncertain significance (0 of 4 stars; one submission).

Conditions:
RIN2-related disorder. Also called: RIN2-related condition.

gnomAD v4.1: 2 of 1,613,498 alleles (0.00012%); highest among the groups gnomAD compares: Non-Finnish European, 0.00017%; no homozygotes.

Submission:

PreventionGenetics, part of Exact Sciences
Classification: Uncertain significance for RIN2-related condition. Last evaluated: 2024-03-18. Review status: no assertion criteria provided. Collection method: clinical testing. Allele origin: germline.
Comment: The RIN2 c.1169A>G variant is predicted to result in the amino acid substitution p.Asn390Ser. To our knowledge, this variant has not been reported in the literature or in a large population database, indicating this variant is rare. At this time, the clinical significance of this variant is uncertain due to the absence of conclusive functional and genetic evidence.